The following is an entry in ClinVar:

ClinVar aggregate classification (germline): Benign/Likely benign. Review status: criteria provided, multiple submitters, no conflicts (2 of 4 stars). 3 submissions from 3 submitters: Benign (1); Likely benign (2). Last evaluated 2026-01-28.

Conditions:
Familial hemophagocytic lymphohistiocytosis 3 (FHL3). Also called: UNC13D-Related Familial Hemophagocytic Lymphohistiocytosis (UNC13D-fHLH). Identifiers: Orphanet 540, MedGen C1837174, MONDO:0012146, OMIM 608898.

Allele frequency attached by ClinVar (database versions not stated): gnomAD exomes 0.00023 and 0.00059; ExAC 0.00062; 1000 Genomes Project 0.00140; ESP Exome Variant Server 0.00155; gnomAD 0.00184 and 0.00196; 1000 Genomes Project 30x 0.00187; TOPMed 0.00202.
gnomAD v4.1: 625 of 1,599,382 alleles (0.039%); highest among the groups gnomAD compares: African/African-American, 0.69%; 1 homozygote.

Submissions (3):

Labcorp Genetics (formerly Invitae), Labcorp
Classification: Benign for Familial hemophagocytic lymphohistiocytosis 3. Last evaluated: 2026-01-28. Review status: criteria provided, single submitter. Criteria: Invitae Variant Classification Sherloc (09022015). Collection method: clinical testing. Allele origin: germline.

Blueprint Genetics
Classification: Likely benign. Last evaluated: 2024-10-16. Review status: criteria provided, single submitter. Criteria: ACMG Guidelines, 2015. Collection method: clinical testing. Allele origin: germline.

Illumina Laboratory Services, Illumina
Classification: Likely benign for Familial hemophagocytic lymphohistiocytosis 3. Last evaluated: 2018-01-12. Review status: criteria provided, single submitter. Criteria: ICSL Variant Classification Criteria 13 December 2019. Collection method: clinical testing. Allele origin: germline.
Comment: This variant was observed in the ICSL laboratory as part of a predisposition screen in an ostensibly healthy population. It had not been previously curated by ICSL or reported in the Human Gene Mutation Database (HGMD: prior to June 1st, 2018), and was therefore a candidate for classification through an automated scoring system. Utilizing variant allele frequency, disease prevalence and penetrance estimates, and inheritance mode, an automated score was calculated to assess if this variant is too frequent to cause the disease. Based on the score and internal cut-off values, a variant classified as likely benign is not then subjected to further curation. The score for this variant resulted in a classification of likely benign for this disease.

NM_199242.3(UNC13D):c.2955-14G>C

Gene: UNC13D (unc-13 homolog D; minus strand). Cytogenetic location: 17q25.1.
Variant type: single nucleotide variant.
Coding change: c.2955-14G>C on transcript NM_199242.3 (MANE Select); 14 bases into the intron before coding-DNA position 2955, G replaced by C.
Molecular consequence: intron variant.
Genome position (GRCh38, 1-based): chr17:75,828,997, C>G on the plus strand (G>C on the coding strand, the complement: UNC13D is on the minus strand). VCF-style: chr17-75828997-C-G. GRCh37 (hg19) VCF-style: chr17-73825078-C-G.
Identifiers: ClinVar variation 891638 (VCV000891638.13), dbSNP rs138462345, ClinGen allele CA8772328.